The following is an entry in ClinVar:

NM_013275.6(ANKRD11):c.5795A>T (p.Glu1932Val)

Gene: ANKRD11 (ankyrin repeat domain 11; minus strand). Cytogenetic location: 16q24.3.
Variant type: single nucleotide variant.
Coding change: c.5795A>T on transcript NM_013275.6 (MANE Select); coding-DNA position 5795, A replaced by T.
Protein change: p.Glu1932Val; replaces glutamic acid 1932 with valine.
Molecular consequence: missense variant.
Genome position (GRCh38, 1-based): chr16:89,280,747, T>A on the plus strand (A>T on the coding strand, the complement: ANKRD11 is on the minus strand). VCF-style: chr16-89280747-T-A. GRCh37 (hg19) VCF-style: chr16-89347155-T-A.
Other names: c.5795A>T, p.Glu1932Val (NM_001256182.2, NM_001256183.2); short protein forms E1932V.
Identifiers: ClinVar variation 2804553 (VCV002804553.3), dbSNP rs1368585530, ClinGen allele CA397152804.

ClinVar aggregate classification (germline): Uncertain significance (1 of 4 stars; one submission).

Conditions:
KBG syndrome (KBGS). Also called: ANKRD11-Related KBG Syndrome. Identifiers: Orphanet 2332, MedGen C0220687, MONDO:0007846, OMIM 148050.

Allele frequency attached by ClinVar (database versions not stated): gnomAD exomes below 0.00001; gnomAD 0.00001; TOPMed 0.00001.
gnomAD v4.1: 2 of 1,613,258 alleles (0.00012%); highest among the groups gnomAD compares: Non-Finnish European, 0.00017%; no homozygotes.

Submission:

Labcorp Genetics (formerly Invitae), Labcorp
Classification: Uncertain significance for KBG syndrome. Last evaluated: 2023-01-30. Review status: criteria provided, single submitter. Criteria: Invitae Variant Classification Sherloc (09022015). Collection method: clinical testing. Allele origin: germline.
Comment: In summary, the available evidence is currently insufficient to determine the role of this variant in disease. Therefore, it has been classified as a Variant of Uncertain Significance. Advanced modeling of protein sequence and biophysical properties (such as structural, functional, and spatial information, amino acid conservation, physicochemical variation, residue mobility, and thermodynamic stability) performed at Invitae indicates that this missense variant is not expected to disrupt ANKRD11 protein function. This variant has not been reported in the literature in individuals affected with ANKRD11-related conditions. This variant is not present in population databases (gnomAD no frequency). This sequence change replaces glutamic acid, which is acidic and polar, with valine, which is neutral and non-polar, at codon 1932 of the ANKRD11 protein (p.Glu1932Val).